The following is an entry in ClinVar:

NM_000048.4(ASL):c.714del (p.Phe238fs)

Gene: ASL (argininosuccinate lyase; plus strand). Cytogenetic location: 7q11.21.
Variant type: Deletion.
Coding change: c.714del on transcript NM_000048.4 (MANE Select); coding-DNA position 714, one base deleted (T; older notation c.714delT).
Protein change: p.Phe238fs; shifts the reading frame from phenylalanine 238.
Molecular consequence: frameshift variant.
Genome position (GRCh38, 1-based): chr7:66,087,787, T deleted; the last of 3 consecutive T bases (chr7:66,087,785-66,087,787); deleting any one gives the same sequence. VCF-style (leftmost placement, unchanged base first): chr7-66087784-CT-C. GRCh37 (hg19) VCF-style: chr7-65552771-CT-C.
Other names: c.714del, p.Phe238fs (NM_001024943.2, NM_001024944.2); c.636del, p.Phe212fs (NM_001024946.2); short protein forms F212fs, F238fs.
Identifiers: ClinVar variation 5015734 (VCV005015734.1).

ClinVar aggregate classification (germline): Pathogenic (1 of 4 stars; one submission).

Conditions:
Argininosuccinate lyase deficiency. Also called: ARGININOSUCCINIC ACID LYASE DEFICIENCY; ASL DEFICIENCY; Argininosuccinic aciduria. Identifiers: Orphanet 23, MedGen C0268547, MONDO:0008815, OMIM 207900, HP:0025630.

Submission:

Myriad Genetics, Inc.
Classification: Pathogenic for Argininosuccinate lyase deficiency. Last evaluated: 2026-03-26. Review status: criteria provided, single submitter. Criteria: Myriad Autosomal Dominant, Autosomal Recessive and X-Linked Classification Criteria (2023). Collection method: clinical testing. Allele origin: unknown.
Comment: NM_001024943.1(ASL):c.714delT(F238Lfs*13) is expected to be pathogenic in the context of argininosuccinic aciduria. This variant is predicted to lead to an abnormal or absent protein product due to the creation of a premature termination codon in ASL, a gene where loss-of-function variants are known to be pathogenic. Please note: this variant was assessed in the context of healthy population screening.